The following is an entry in ClinVar:

NM_152594.3(SPRED1):c.408_409dup (p.Ala137fs)

Gene: SPRED1 (sprouty related EVH1 domain containing 1; plus strand). Cytogenetic location: 15q14.
Variant type: Duplication.
Coding change: c.408_409dup on transcript NM_152594.3 (MANE Select); coding-DNA positions 408 to 409, 2 bases duplicated (GG; older notation c.408_409dupGG).
Protein change: p.Ala137fs; shifts the reading frame from alanine 137.
Molecular consequence: frameshift variant.
Genome position (GRCh38, 1-based): chr15:38,324,794-38,324,795, GG duplicated; duplicating any 2 consecutive bases within chr15:38,324,792-38,324,795 gives the same sequence; the c. name uses the placement nearest the transcript's 3' end. VCF-style (leftmost placement, unchanged base first): chr15-38324791-A-AGG. GRCh37 (hg19) VCF-style: chr15-38616992-A-AGG.
Other names: short protein forms A137fs.
Identifiers: ClinVar variation 2831812 (VCV002831812.3), dbSNP rs2542700259, ClinGen allele CA2739279175.

ClinVar aggregate classification (germline): Pathogenic (1 of 4 stars; one submission).

Conditions:
Legius syndrome. Identifiers: Orphanet 137605, MedGen C1969623, MONDO:0012669, OMIM 611431. Disease mechanism: loss of function.

Submission:

Labcorp Genetics (formerly Invitae), Labcorp
Classification: Pathogenic for Legius syndrome. Last evaluated: 2023-01-25. Review status: criteria provided, single submitter. Criteria: Invitae Variant Classification Sherloc (09022015). Collection method: clinical testing. Allele origin: germline.
Comment: For these reasons, this variant has been classified as Pathogenic. This variant has not been reported in the literature in individuals affected with SPRED1-related conditions. This variant is not present in population databases (gnomAD no frequency). This sequence change creates a premature translational stop signal (p.Ala137Glyfs*16) in the SPRED1 gene. It is expected to result in an absent or disrupted protein product. Loss-of-function variants in SPRED1 are known to be pathogenic (PMID: 17704776).

Literature cited by the submitters: PubMed 17704776.